The following is an entry in ClinVar:

NM_004360.5(CDH1):c.2512A>C (p.Ser838Arg)

Gene: CDH1 (cadherin 1; plus strand). Cytogenetic location: 16q22.1.
Variant type: single nucleotide variant.
Coding change: c.2512A>C on transcript NM_004360.5 (MANE Select); coding-DNA position 2512, A replaced by C.
Protein change: p.Ser838Arg; replaces serine 838 with arginine.
Molecular consequence: missense variant.
Genome position (GRCh38, 1-based): chr16:68,833,362, A>C. VCF-style: chr16-68833362-A-C. GRCh37 (hg19) VCF-style: chr16-68867265-A-C.
Other names: c.2329A>C, p.Ser777Arg (NM_001317184.2); c.964A>C, p.Ser322Arg (NM_001317185.2); c.547A>C, p.Ser183Arg (NM_001317186.2); short protein forms S183R, S322R, S777R, S838R.
Identifiers: ClinVar variation 5042625 (VCV005042625.1).

ClinVar aggregate classification (germline): Uncertain significance (1 of 4 stars; one submission).

Conditions:
CDH1-related diffuse gastric and lobular breast cancer syndrome. Also called: CDH1-related diffuse gastric and lobular breast cancer. Identifiers: MedGen CN311521, MONDO:0100488.

gnomAD v4.1: 1 of 1,614,188 alleles (0.000062%); highest among the groups gnomAD compares: Non-Finnish European, 0.000085%; no homozygotes.

Submission:

Hema, HEMA – Genetic and Molecular Diagnostic Laboratory
Classification: Uncertain significance for CDH1-related diffuse gastric and lobular breast cancer syndrome. Last evaluated: 2026-03-16. Review status: criteria provided, single submitter. Criteria: HEMA Variant Classification Assertion Criteria. Collection method: clinical testing. Allele origin: germline.
Comment: The c.2512A>C p.(Ser838Arg) variant is a transversion from adenine to cytosine located in the coding region, resulting in the substitution of serine 838 by arginine. PM2_Supporting: Present at very low frequency in the gnomAD v4.1.0 database.